The following is an entry in ClinVar:

NM_001267550.2(TTN):c.18658T>G (p.Cys6220Gly)

Genes: TTN (titin; minus strand), LOC126806430 (BRD4-independent group 4 enhancer GRCh37_chr2:179593794-179594993; plus strand). Cytogenetic location: 2q31.2.
Variant type: single nucleotide variant.
Coding change: c.18658T>G on transcript NM_001267550.2 (MANE Select); coding-DNA position 18658, T replaced by G.
Protein change: p.Cys6220Gly; replaces cysteine 6220 with glycine.
Molecular consequence: missense variant. On other transcripts: intron variant (3).
Genome position (GRCh38, 1-based): chr2:178,729,498, A>C on the plus strand (T>G on the coding strand, the complement: TTN is on the minus strand). VCF-style: chr2-178729498-A-C. GRCh37 (hg19) VCF-style: chr2-179594225-A-C.
Other names: c.17707T>G, p.Cys5903Gly (NM_001256850.1); c.14926T>G, p.Cys4976Gly (NM_133378.4); c.13282+8584T>G (NM_003319.4); c.13858+8584T>G (NM_133437.4); c.13657+8584T>G (NM_133432.3); short protein forms C4976G, C5903G, C6220G.
Identifiers: ClinVar variation 1201972 (VCV001201972.3), dbSNP rs935844203, ClinGen allele CA60977823.

ClinVar aggregate classification (germline): Uncertain significance (1 of 4 stars; one submission).

gnomAD v4.1: 1 of 1,613,330 alleles (0.000062%); highest among the groups gnomAD compares: Admixed American, 0.0017%; no homozygotes.

Submission:

GeneDx
Classification: Uncertain significance. Last evaluated: 2019-08-16. Review status: criteria provided, single submitter. Criteria: GeneDx Variant Classification Process June 2021. Collection method: clinical testing. Allele origin: germline. Affected: yes.
Comment: Not observed in large population cohorts (Lek et al., 2016); Missense variant in a gene in which most reported pathogenic variants are truncating/loss-of-function; Has not been previously published as pathogenic or benign to our knowledge